The following is an entry in ClinVar:

ClinVar aggregate classification (germline): Uncertain significance (1 of 4 stars; one submission).

Submission:

GeneDx
Classification: Uncertain significance. Last evaluated: 2024-08-26. Review status: criteria provided, single submitter. Criteria: GeneDx Variant Classification Process June 2021. Collection method: clinical testing. Allele origin: germline. Affected: yes.
Comment: Not observed at significant frequency in large population cohorts (gnomAD); In silico analysis supports that this missense variant has a deleterious effect on protein structure/function; Has not been previously published as pathogenic or benign to our knowledge

NM_001693.4(ATP6V1B2):c.459C>G (p.Ile153Met)

Gene: ATP6V1B2 (ATPase H+ transporting V1 subunit B2; plus strand). Cytogenetic location: 8p21.3.
Variant type: single nucleotide variant.
Coding change: c.459C>G on transcript NM_001693.4 (MANE Select); coding-DNA position 459, C replaced by G.
Protein change: p.Ile153Met; replaces isoleucine 153 with methionine.
Molecular consequence: missense variant.
Genome position (GRCh38, 1-based): chr8:20,210,642, C>G. VCF-style: chr8-20210642-C-G. GRCh37 (hg19) VCF-style: chr8-20068153-C-G.
Other names: short protein forms I153M.
Identifiers: ClinVar variation 3766362 (VCV003766362.1).